The following is an entry in ClinVar:

GRCh37/hg19 Xq21.1-21.2(chrX:84343474-84990478)x0

Genes: APOOL (apolipoprotein O like; plus strand), POF1B (POF1B actin binding protein; minus strand), SATL1 (spermidine/spermine N1-acetyl transferase like 1; minus strand), ZNF711 (zinc finger protein 711; plus strand). Cytogenetic location: Xq21.1-21.2.
Variant type: copy number loss.
Change: copy number 0 of chrX:84,343,474-84,990,478 (647.0 kb, GRCh37 coordinates, 1-based), cytogenetic band Xq21.1-21.2.
Identifiers: ClinVar variation 1807759 (VCV001807759.1).

ClinVar aggregate classification (germline): Likely pathogenic (1 of 4 stars; one submission).

Submission:

Quest Diagnostics Nichols Institute San Juan Capistrano
Classification: Likely pathogenic. Last evaluated: 2021-09-07. Review status: criteria provided, single submitter. Criteria: ACMG/ClinGen CNV Guidelines, 2019. Collection method: clinical testing. Allele origin: unknown.
Comment: The copy number loss of Xq21.1q21.2 involves several protein-coding genes, including a full copy of ZNF711 (OMIM 314990). Hemizygous loss-of-function sequence variants of ZNF711 (nonsense, frameshift, missense) have been associated with X-linked intellectual developmental disorder-97 (XLID97; OMIM 300803) in males, which is characterized by mild-to-moderate intellectual disability, most often with motor delay and speech delay, and variable dysmorphic features (Poeta 2019, Monies 2019, Werf 2017, Tarpey 2009). Although focal deletions of ZNF711 have not been reported and haploinsufficiency has not been established as a disease mechanism in XLID97, the reported truncating variants are predicted to result in dysfunctional ZNF711 proteins lacking multiple zinc finger domains. Additionally, functional studies have shown that ZNF711 variants result in loss of function and significantly reduced histone demethylation (Poeta 2021, Poeta 2019). Further, the current interval lies within the larger region of chromosome Xq21 deletion syndrome (OMIM 303110), a complex disorder characterized by intellectual disability, congenital hearing loss, and choroideremia (progressive degeneration of the choroid and retina) (Iossa 2015, Whitehead 2014, Poloschek 2008). The visual and hearing deficits of Xq21 deletion syndrome result from involvement of the CHM (OMIM 300390) and POU3F4 (OMIM 300039) genes, respectively, neither of which is encompassed in the current deletion interval, while ZNF711 has been proposed as a candidate gene for the intellectual disability phenotype (Liang 2017). While hemizygous deletions of this specific locus have not yet been associated with a clinical phenotype, and there are no similar copy number losses of this region in the general populations of the Database of Genomic Variants, based on gene content and current review of the literature, the clinical significance of this copy number variant (CNV) is interpreted as likely pathogenic. References: Iossa et al., Mol Cytogenet. 2015 Mar 20;8:18. PMID: 25821518. Liang et al., Mol Cytogenet. 2017 Jun 14;10:23. PMID: 28630650. Monies et al., Am J Hum Genet. 2019 Jun 6;104(6):1182-1201. PMID: 31130284. Poeta et al., Genes (Basel). 2021 Jul 18;12(7):1088. PMID: 34356104. Poeta et al., Hum Mol Genet. 2019 Dec 15;28(24):4089-4102. PMID: 31691806. Poloschek et al., Invest Ophthalmol Vis Sci. 2008 Sep;49(9):4096-104. PMID: 18487380. Tarpey et al., Nat Genet. 2009 May;41(5):535-43. PMID: 19377476. Werf et al., Gene. 2017 Mar 20;605:92-98. PMID: 27993705. Whitehead et al., Case Rep Radiol. 2014;2014:413574. PMID: 25126438.